The following is an entry in ClinVar:

ClinVar aggregate classification (germline): Uncertain significance (1 of 4 stars; one submission).

Conditions:
Charcot-Marie-Tooth disease type 4. Also called: Charcot-Marie-Tooth, Type 4; Charcot-Marie-Tooth disease, type IV. Identifiers: Orphanet 64749, MedGen C4082197, MONDO:0018995.

Submission:

Labcorp Genetics (formerly Invitae), Labcorp
Classification: Uncertain significance for Charcot-Marie-Tooth disease type 4. Last evaluated: 2021-12-31. Review status: criteria provided, single submitter. Criteria: Invitae Variant Classification Sherloc (09022015). Collection method: clinical testing. Allele origin: germline.
Comment: In summary, the available evidence is currently insufficient to determine the role of this variant in disease. Therefore, it has been classified as a Variant of Uncertain Significance. This sequence change replaces aspartic acid, which is acidic and polar, with histidine, which is basic and polar, at codon 999 of the PRX protein (p.Asp999His). This variant is not present in population databases (gnomAD no frequency). This variant has not been reported in the literature in individuals affected with PRX-related conditions. Algorithms developed to predict the effect of missense changes on protein structure and function are either unavailable or do not agree on the potential impact of this missense change (SIFT: "Deleterious"; PolyPhen-2: "Probably Damaging"; Align-GVGD: "Class C0").

NM_181882.3(PRX):c.2995G>C (p.Asp999His)

Gene: PRX (periaxin; minus strand). Cytogenetic location: 19q13.2.
Variant type: single nucleotide variant.
Coding change: c.2995G>C on transcript NM_181882.3 (MANE Select); coding-DNA position 2995, G replaced by C.
Protein change: p.Asp999His; replaces aspartic acid 999 with histidine.
Molecular consequence: missense variant. On other transcripts: 3 prime UTR variant (1).
Genome position (GRCh38, 1-based): chr19:40,395,357, C>G on the plus strand (G>C on the coding strand, the complement: PRX is on the minus strand). VCF-style: chr19-40395357-C-G. GRCh37 (hg19) VCF-style: chr19-40901264-C-G.
Other names: c.3280G>C, p.Asp1094His (NM_001411127.1); c.*3200G>C (NM_020956.2); short protein forms D1094H, D999H.
Identifiers: ClinVar variation 2049746 (VCV002049746.4), dbSNP rs1599651903, ClinGen allele CA405895171.